The following is an entry in ClinVar:

ClinVar aggregate classification (germline): Uncertain significance (1 of 4 stars; one submission).

Conditions:
BBS7-related disorder. Also called: BBS7-related condition.

gnomAD v4.1: 1 of 1,613,686 alleles (0.000062%); highest among the groups gnomAD compares: Non-Finnish European, 0.000085%; no homozygotes.

Submission:

PreventionGenetics, part of Exact Sciences
Classification: Uncertain significance for BBS7-related condition. Last evaluated: 2025-09-25. Review status: criteria provided, single submitter. Criteria: ACMG Guidelines, 2015. Collection method: clinical testing. Allele origin: germline.
Comment: The BBS7 c.1943G>A variant is predicted to result in the amino acid substitution p.Cys648Tyr. To our knowledge, this variant has not been reported in the literature or in a large population database (gnomAD), indicating this variant is rare. At this time, the clinical significance of this variant is uncertain due to the absence of conclusive functional and genetic evidence.

NM_176824.3(BBS7):c.1943G>A (p.Cys648Tyr)

Gene: BBS7 (Bardet-Biedl syndrome 7; minus strand). Cytogenetic location: 4q27.
Variant type: single nucleotide variant.
Coding change: c.1943G>A on transcript NM_176824.3 (MANE Select); coding-DNA position 1943, G replaced by A.
Protein change: p.Cys648Tyr; replaces cysteine 648 with tyrosine.
Molecular consequence: missense variant.
Genome position (GRCh38, 1-based): chr4:121,828,217, C>T on the plus strand (G>A on the coding strand, the complement: BBS7 is on the minus strand). VCF-style: chr4-121828217-C-T. GRCh37 (hg19) VCF-style: chr4-122749372-C-T.
Other names: c.1943G>A, p.Cys648Tyr (NM_018190.4); short protein forms C648Y.
Identifiers: ClinVar variation 4992062 (VCV004992062.1).